The following is an entry in ClinVar:

NM_000059.4(BRCA2):c.9944A>G (p.Lys3315Arg)

Gene: BRCA2 (BRCA2 DNA repair associated; plus strand). Cytogenetic location: 13q13.1.
Variant type: single nucleotide variant.
Coding change: c.9944A>G on transcript NM_000059.4 (MANE Select); coding-DNA position 9944, A replaced by G.
Protein change: p.Lys3315Arg; replaces lysine 3315 with arginine.
Molecular consequence: missense variant. On other transcripts: non-coding transcript variant (1).
Genome position (GRCh38, 1-based): chr13:32,398,457, A>G. VCF-style: chr13-32398457-A-G. GRCh37 (hg19) VCF-style: chr13-32972594-A-G.
Other names: c.9848A>G, p.Lys3283Arg (NM_001406719.1); c.9893A>G, p.Lys3298Arg (NM_001406720.1); c.5012A>G, p.Lys1671Arg (NM_001406721.1); c.3527A>G, p.Lys1176Arg (NM_001406722.1); c.9944A>G, p.Lys3315Arg (NM_001432077.1); short protein forms K1176R, K1671R, K3283R, K3298R, K3315R.
Identifiers: ClinVar variation 4856463 (VCV004856463.1).

ClinVar aggregate classification (germline): Likely benign (1 of 4 stars; one submission).

Conditions:
Breast-ovarian cancer, familial, susceptibility to, 2 (BROVCA2). Also called: BRCA2 Hereditary Breast and Ovarian Cancer. Identifiers: Orphanet 145, MedGen C2675520, MONDO:0012933, OMIM 612555. Disease mechanism: loss of function.

gnomAD v4.1: 1 of 1,614,210 alleles (0.000062%); highest among the groups gnomAD compares: South Asian, 0.0011%; no homozygotes.

Submission:

Cancer Bioinformatics and Tumour Evolution Laboratory, Monash University
Classification: Likely benign for Breast-ovarian cancer, familial, susceptibility to, 2. Last evaluated: 2026-05-01. Review status: criteria provided, single submitter. Criteria: ClinGen BRCA1 and BRCA2 Guidelines, 2024. Collection method: curation. Allele origin: germline. Inheritance: Autosomal dominant inheritance.
Comment: Missense variant outside of a functional domain with no splice impact. BRCA1 and BRCA2 VCEP guidelines recommend application of BP1_Strong (PMID: 39142283)